The following is an entry in ClinVar:

ClinVar aggregate classification (germline): Uncertain significance. Review status: criteria provided, multiple submitters, no conflicts (2 of 4 stars). 3 submissions from 3 submitters: Uncertain significance (3). Last evaluated 2021-07-15.

Conditions:
Hereditary cancer-predisposing syndrome. Also called: Neoplastic Syndromes, Hereditary; Hereditary Cancer Syndrome; Hereditary neoplastic syndrome; Tumor predisposition. Identifiers: Orphanet 140162, MedGen C0027672, MeSH D009386, MONDO:0015356.
Peutz-Jeghers syndrome (PJS). Also called: Peutz-Jeghers polyposis; Periorificial lentiginosis syndrome; POLYPOSIS, HAMARTOMATOUS INTESTINAL; POLYPS-AND-SPOTS SYNDROME. Identifiers: Orphanet 2869, MedGen C0031269, MeSH D010580, MONDO:0008280, OMIM 175200.

Submissions (3):

Genome-Nilou Lab
Classification: Uncertain significance for Peutz-Jeghers syndrome. Last evaluated: 2021-07-15. Review status: criteria provided, single submitter. Criteria: ACMG Guidelines, 2015. Collection method: clinical testing. Allele origin: germline. Affected: no.

Labcorp Genetics (formerly Invitae), Labcorp
Classification: Uncertain significance for Peutz-Jeghers syndrome. Last evaluated: 2017-04-07. Review status: criteria provided, single submitter. Criteria: Invitae Variant Classification Sherloc (09022015). Collection method: clinical testing. Allele origin: germline.
Comment: This sequence change replaces methionine with leucine at codon 18 of the STK11 protein (p.Met18Leu). The methionine residue is highly conserved and there is a small physicochemical difference between methionine and leucine. This variant is not present in population databases (ExAC no frequency) and has not been reported in the literature in individuals with a STK11-related disease. ClinVar contains an entry for this variant (Variation ID: 142223). Algorithms developed to predict the effect of missense changes on protein structure and function (SIFT, PolyPhen-2, Align-GVGD) all suggest that this variant is likely to be tolerated, but these predictions have not been confirmed by published functional studies. In summary, this variant is a rare missense change that is not predicted to affect protein function. There is no indication that it causes disease, but the available evidence is currently insufficient to prove that conclusively. Therefore, it has been classified as a Variant of Uncertain Significance.

Ambry Genetics
Classification: Uncertain significance for Hereditary cancer-predisposing syndrome. Last evaluated: 2013-04-10. Review status: criteria provided, single submitter. Criteria: Ambry Autosomal Dominant and X-Linked criteria (10/2015). Collection method: clinical testing. Allele origin: germline. Observed: 1 variant allele.
Comment: There is insufficient or conflicting evidence for classification of this alteration.

NM_000455.5(STK11):c.52A>C (p.Met18Leu)

Gene: STK11 (serine/threonine kinase 11; plus strand). Cytogenetic location: 19p13.3.
Variant type: single nucleotide variant.
Coding change: c.52A>C on transcript NM_000455.5 (MANE Select); coding-DNA position 52, A replaced by C.
Protein change: p.Met18Leu; replaces methionine 18 with leucine.
Molecular consequence: missense variant.
Genome position (GRCh38, 1-based): chr19:1,206,965, A>C. VCF-style: chr19-1206965-A-C. GRCh37 (hg19) VCF-style: chr19-1206964-A-C.
Other names: short protein forms M18L.
Identifiers: ClinVar variation 142223 (VCV000142223.13), dbSNP rs587782318, ClinGen allele CA023063.